The following is an entry in ClinVar:

NM_000179.3(MSH6):c.201C>T (p.Pro67=)

Gene: MSH6 (mutS homolog 6; plus strand). Cytogenetic location: 2p16.3.
Variant type: single nucleotide variant.
Coding change: c.201C>T on transcript NM_000179.3 (MANE Select); coding-DNA position 201, C replaced by T.
Protein change: p.Pro67=; no amino-acid change (proline 67 retained).
Molecular consequence: synonymous variant. On other transcripts: 5 prime UTR variant (1).
Genome position (GRCh38, 1-based): chr2:47,783,434, C>T. VCF-style: chr2-47783434-C-T. GRCh37 (hg19) VCF-style: chr2-48010573-C-T.
Other names: c.201C>T, p.Pro67= (NM_001281492.2); c.-536C>T (NM_001281493.2).
Identifiers: ClinVar variation 1149019 (VCV001149019.10), dbSNP rs1553408363, ClinGen allele CA426120785.

ClinVar aggregate classification (germline): Benign/Likely benign. Review status: criteria provided, multiple submitters, no conflicts (2 of 4 stars). 2 submissions from 2 submitters: Benign (1); Likely benign (1). Last evaluated 2024-12-17.

Conditions:
Lynch syndrome 5 (LYNCH5). Also called: Colorectal cancer, hereditary nonpolyposis, type 5; Hereditary non-polyposis colorectal cancer, type 5. Identifiers: Orphanet 144, MedGen C1833477, MONDO:0013710, OMIM 614350. Disease mechanism: loss of function.
Hereditary nonpolyposis colorectal neoplasms. Identifiers: MedGen C0009405, MeSH D003123.

Allele frequency attached by ClinVar (database versions not stated): gnomAD exomes below 0.00001.

Submissions (2):

Myriad Genetics, Inc.
Classification: Benign for Lynch syndrome 5. Last evaluated: 2024-12-17. Review status: criteria provided, single submitter. Criteria: Myriad Autosomal Dominant, Autosomal Recessive and X-Linked Classification Criteria (2023). Collection method: clinical testing. Allele origin: unknown.
Comment: This variant is considered benign. This variant is a silent/synonymous amino acid change and it is not expected to impact splicing.

Labcorp Genetics (formerly Invitae), Labcorp
Classification: Likely benign for Hereditary nonpolyposis colorectal neoplasms. Last evaluated: 2022-04-21. Review status: criteria provided, single submitter. Criteria: Invitae Variant Classification Sherloc (09022015). Collection method: clinical testing. Allele origin: germline.